The following is an entry in ClinVar:

NM_199420.4(POLQ):c.3002C>A (p.Pro1001Gln)

Gene: POLQ (DNA polymerase theta; minus strand). Cytogenetic location: 3q13.33.
Variant type: single nucleotide variant.
Coding change: c.3002C>A on transcript NM_199420.4 (MANE Select); coding-DNA position 3002, C replaced by A.
Protein change: p.Pro1001Gln; replaces proline 1001 with glutamine.
Molecular consequence: missense variant.
Genome position (GRCh38, 1-based): chr3:121,489,929, G>T on the plus strand (C>A on the coding strand, the complement: POLQ is on the minus strand). VCF-style: chr3-121489929-G-T. GRCh37 (hg19) VCF-style: chr3-121208776-G-T.
Other names: short protein forms P1001Q.
Identifiers: ClinVar variation 3422432 (VCV003422432.1).

ClinVar aggregate classification (germline): Uncertain significance (1 of 4 stars; one submission).

Submission:

Ambry Genetics
Classification: Uncertain significance. Last evaluated: 2024-07-02. Review status: criteria provided, single submitter. Criteria: Ambry Variant Classification Scheme 2023. Collection method: clinical testing. Allele origin: germline.
Comment: The p.P1001Q variant (also known as c.3002C>A), located in coding exon 16 of the POLQ gene, results from a C to A substitution at nucleotide position 3002. The proline at codon 1001 is replaced by glutamine, an amino acid with similar properties. This amino acid position is conserved. In addition, this alteration is predicted to be tolerated by in silico analysis. Based on the available evidence, the clinical significance of this variant remains unclear.